The following is an entry in ClinVar:

ClinVar aggregate classification (germline): Uncertain significance (1 of 4 stars; one submission).

Allele frequency attached by ClinVar (database versions not stated): gnomAD exomes below 0.00001.
gnomAD v4.1: 1 of 1,614,040 alleles (0.000062%); highest among the groups gnomAD compares: African/African-American, 0.0013%; no homozygotes.

Submission:

Labcorp Genetics (formerly Invitae), Labcorp
Classification: Uncertain significance. Last evaluated: 2023-09-10. Review status: criteria provided, single submitter. Criteria: Invitae Variant Classification Sherloc (09022015). Collection method: clinical testing. Allele origin: germline.
Comment: In summary, the available evidence is currently insufficient to determine the role of this variant in disease. Therefore, it has been classified as a Variant of Uncertain Significance. Advanced modeling of protein sequence and biophysical properties (such as structural, functional, and spatial information, amino acid conservation, physicochemical variation, residue mobility, and thermodynamic stability) performed at Invitae indicates that this missense variant is not expected to disrupt ATP5A1 protein function. This variant has not been reported in the literature in individuals affected with ATP5A1-related conditions. This variant is not present in population databases (gnomAD no frequency). This sequence change replaces alanine, which is neutral and non-polar, with threonine, which is neutral and polar, at codon 136 of the ATP5A1 protein (p.Ala136Thr).

NM_004046.6(ATP5F1A):c.406G>A (p.Ala136Thr)

Gene: ATP5F1A (ATP synthase F1 subunit alpha; minus strand). Cytogenetic location: 18q21.1.
Variant type: single nucleotide variant.
Coding change: c.406G>A on transcript NM_004046.6 (MANE Select); coding-DNA position 406, G replaced by A.
Protein change: p.Ala136Thr; replaces alanine 136 with threonine.
Molecular consequence: missense variant.
Genome position (GRCh38, 1-based): chr18:46,089,900, C>T on the plus strand (G>A on the coding strand, the complement: ATP5F1A is on the minus strand). VCF-style: chr18-46089900-C-T. GRCh37 (hg19) VCF-style: chr18-43669866-C-T.
Other names: c.256G>A, p.Ala86Thr (NM_001001935.3, NM_001257335.2); c.406G>A, p.Ala136Thr (NM_001001937.2, NM_001257334.2); short protein forms A136T, A86T.
Identifiers: ClinVar variation 2864960 (VCV002864960.3), dbSNP rs2512310476, ClinGen allele CA402357736.